The following is an entry in ClinVar:

ClinVar aggregate classification (germline): Uncertain significance (1 of 4 stars; one submission).

gnomAD v4.1: 51 of 1,612,884 alleles (0.0032%); highest among the groups gnomAD compares: South Asian, 0.011%; no homozygotes.

Submission:

Labcorp Genetics (formerly Invitae), Labcorp
Classification: Uncertain significance. Last evaluated: 2025-08-18. Review status: criteria provided, single submitter. Criteria: Invitae Variant Classification Sherloc (09022015). Collection method: clinical testing. Allele origin: germline.
Comment: This sequence change replaces alanine, which is neutral and non-polar, with valine, which is neutral and non-polar, at codon 261 of the HEPACAM protein (p.Ala261Val). This variant is present in population databases (rs147015297, gnomAD 0.02%). This variant has not been reported in the literature in individuals affected with HEPACAM-related conditions. ClinVar contains an entry for this variant (Variation ID: 3632894). Invitae Evidence Modeling of protein sequence and biophysical properties (such as structural, functional, and spatial information, amino acid conservation, physicochemical variation, residue mobility, and thermodynamic stability) has been performed for this missense variant. However, the output from this modeling did not meet the statistical confidence thresholds required to predict the impact of this variant on HEPACAM protein function. In summary, the available evidence is currently insufficient to determine the role of this variant in disease. Therefore, it has been classified as a Variant of Uncertain Significance.

NM_152722.5(HEPACAM):c.782C>T (p.Ala261Val)

Gene: HEPACAM (hepatic and glial cell adhesion molecule; minus strand). Cytogenetic location: 11q24.2.
Variant type: single nucleotide variant.
Coding change: c.782C>T on transcript NM_152722.5 (MANE Select); coding-DNA position 782, C replaced by T.
Protein change: p.Ala261Val; replaces alanine 261 with valine.
Molecular consequence: missense variant.
Genome position (GRCh38, 1-based): chr11:124,923,361, G>A on the plus strand (C>T on the coding strand, the complement: HEPACAM is on the minus strand). VCF-style: chr11-124923361-G-A. GRCh37 (hg19) VCF-style: chr11-124793257-G-A.
Other names: c.782C>T, p.Ala261Val (NM_001411043.1); short protein forms A261V.
Identifiers: ClinVar variation 3632894 (VCV003632894.2).